The following is an entry in ClinVar:

ClinVar aggregate classification (germline): Uncertain significance (1 of 4 stars; one submission).

Submission:

GeneDx
Classification: Uncertain significance. Last evaluated: 2024-02-14. Review status: criteria provided, single submitter. Criteria: GeneDx Variant Classification Process June 2021. Collection method: clinical testing. Allele origin: germline. Affected: yes.
Comment: Not observed at significant frequency in large population cohorts (gnomAD); In silico analysis supports that this missense variant has a deleterious effect on protein structure/function; Has not been previously published as pathogenic or benign to our knowledge

NM_001394062.1(MACF1):c.19131T>A (p.His6377Gln)

Gene: MACF1 (microtubule actin crosslinking factor 1; plus strand). Cytogenetic location: 1p34.3.
Variant type: single nucleotide variant.
Coding change: c.19131T>A on transcript NM_001394062.1 (MANE Select); coding-DNA position 19131, T replaced by A.
Protein change: p.His6377Gln; replaces histidine 6377 with glutamine.
Molecular consequence: missense variant.
Genome position (GRCh38, 1-based): chr1:39,442,740, T>A. VCF-style: chr1-39442740-T-A. GRCh37 (hg19) VCF-style: chr1-39908412-T-A.
Other names: c.7209T>A, p.His2403Gln (NM_001397473.1); c.12954T>A, p.His4318Gln (NM_012090.5); short protein forms H2403Q, H4318Q, H6377Q.
Identifiers: ClinVar variation 3369332 (VCV003369332.1).